The following is an entry in ClinVar:

ClinVar aggregate classification (germline): Uncertain significance (1 of 4 stars; one submission).

Allele frequency attached by ClinVar (database versions not stated): gnomAD exomes below 0.00001.

Submission:

Centre of Medical Genetics, University Hospital Muenster
Classification: Uncertain significance. Last evaluated: 2022-11-25. Review status: criteria provided, single submitter. Criteria: ACMG Guidelines, 2015. Collection method: clinical testing. Allele origin: unknown. Affected: yes. Observed: 1 variant allele, 1 homozygote.
Comment: ACMG categories: PM2

NM_004269.4(MED27):c.567G>C (p.Met189Ile)

Gene: MED27 (mediator complex subunit 27; minus strand). Cytogenetic location: 9q34.13.
Variant type: single nucleotide variant.
Coding change: c.567G>C on transcript NM_004269.4 (MANE Select); coding-DNA position 567, G replaced by C.
Protein change: p.Met189Ile; replaces methionine 189 with isoleucine.
Molecular consequence: missense variant.
Genome position (GRCh38, 1-based): chr9:131,939,387, C>G on the plus strand (G>C on the coding strand, the complement: MED27 is on the minus strand). VCF-style: chr9-131939387-C-G. GRCh37 (hg19) VCF-style: chr9-134814774-C-G.
Other names: c.567G>C, p.Met189Ile (NM_001253881.2); short protein forms M189I.
Identifiers: ClinVar variation 2430333 (VCV002430333.2), dbSNP rs1830742874, ClinGen allele CA375681642.